The following is an entry in ClinVar:

ClinVar aggregate classification (germline): Uncertain significance (1 of 4 stars; one submission).

Conditions:
Cardiomyopathy (CMYO). Also called: Cardiomyopathies. Identifiers: Orphanet 167848, MedGen C0878544, MONDO:0004994, HP:0001638. Inheritance: Various modes of inheritance.

Submission:

Color Diagnostics, LLC DBA Color Health
Classification: Uncertain significance for Cardiomyopathy. Last evaluated: 2025-07-14. Review status: criteria provided, single submitter. Criteria: ACMG Guidelines, 2015. Collection method: clinical testing. Allele origin: germline.
Comment: This variant deletes 2 nucleotides in exon 15 of the DSC2 gene, creating a frameshift and premature translation stop signal in the penultimate coding exon. This mutant transcript is predicted to escape nonsense-mediated decay and be expressed as a truncated protein. To our knowledge, this variant has not been reported in individuals affected with DSC2-related disorders in the literature. This variant has not been identified in the general population by the Genome Aggregation Database (gnomAD). The available evidence is insufficient to determine the role of this variant in disease conclusively. Therefore, this variant is classified as a Variant of Uncertain Significance.

NM_024422.6(DSC2):c.2282_2283del (p.Val761fs)

Gene: DSC2 (desmocollin 2; minus strand). Cytogenetic location: 18q12.1.
Variant type: Microsatellite.
Coding change: c.2282_2283del on transcript NM_024422.6 (MANE Select); coding-DNA positions 2282 to 2283, 2 bases deleted (TG; older notation c.2282_2283delTG).
Protein change: p.Val761fs; shifts the reading frame from valine 761.
Molecular consequence: frameshift variant.
Genome position (GRCh38, 1-based): chr18:31,069,119-31,069,120, CA deleted on the plus strand (TG on the coding strand, the reverse complement: DSC2 is on the minus strand); deleting any 2 consecutive bases within chr18:31,069,119-31,069,122 gives the same sequence; the c. name uses the placement nearest the transcript's 3' end. VCF-style (leftmost placement, unchanged base first): chr18-31069118-CCA-C. GRCh37 (hg19) VCF-style: chr18-28649084-CCA-C.
Other names: c.1853_1854del, p.Val618fs (NM_001406506.1, NM_001406507.1); c.2282_2283del, p.Val761fs (NM_004949.5); short protein forms V618fs, V761fs.
Identifiers: ClinVar variation 4758883 (VCV004758883.1).
Genomic context (GRCh38, chr18:31,069,118, plus strand): 5'-CCTGACCTCCGTTTTTGATTCCTGATCCCACGGTGCCACAAACTCCCTGAGCAGAAGCGC[CCA>C]CAGTTTGGGTTGTGAAGCCATTCGCAGAATACTGAAATGAAAACAATTTGCATTAGGGAT-3'